The following is an entry in ClinVar:

ClinVar aggregate classification (germline): Uncertain significance (1 of 4 stars; one submission).

Allele frequency attached by ClinVar (database versions not stated): gnomAD exomes 0.00001; ExAC 0.00002; gnomAD 0.00002; ESP Exome Variant Server 0.00015.

Submission:

Labcorp Genetics (formerly Invitae), Labcorp
Classification: Uncertain significance. Last evaluated: 2025-02-07. Review status: criteria provided, single submitter. Criteria: Invitae Variant Classification Sherloc (09022015). Collection method: clinical testing. Allele origin: germline.
Comment: This sequence change replaces valine, which is neutral and non-polar, with isoleucine, which is neutral and non-polar, at codon 807 of the BRD4 protein (p.Val807Ile). This variant is present in population databases (rs147958185, gnomAD 0.003%). This variant has not been reported in the literature in individuals affected with BRD4-related conditions. ClinVar contains an entry for this variant (Variation ID: 2192851). An algorithm developed to predict the effect of missense changes on protein structure and function (PolyPhen-2) suggests that this variant is likely to be tolerated. In summary, the available evidence is currently insufficient to determine the role of this variant in disease. Therefore, it has been classified as a Variant of Uncertain Significance.

NM_001379291.1(BRD4):c.2419G>A (p.Val807Ile)

Gene: BRD4 (bromodomain containing 4; minus strand). Cytogenetic location: 19p13.12.
Variant type: single nucleotide variant.
Coding change: c.2419G>A on transcript NM_001379291.1 (MANE Select); coding-DNA position 2419, G replaced by A.
Protein change: p.Val807Ile; replaces valine 807 with isoleucine.
Molecular consequence: missense variant.
Genome position (GRCh38, 1-based): chr19:15,244,393, C>T on the plus strand (G>A on the coding strand, the complement: BRD4 is on the minus strand). VCF-style: chr19-15244393-C-T. GRCh37 (hg19) VCF-style: chr19-15355204-C-T.
Other names: c.2419G>A, p.Val807Ile (NM_058243.3); short protein forms V807I.
Identifiers: ClinVar variation 2192851 (VCV002192851.4), dbSNP rs147958185, ClinGen allele CA9264950.